The following is an entry in ClinVar:

ClinVar aggregate classification (germline): Uncertain significance (1 of 4 stars; one submission).

Conditions:
TNNI3-related disorder. Also called: TNNI3-related condition; TNNI3-related disorders.

Submission:

PreventionGenetics, part of Exact Sciences
Classification: Uncertain significance for TNNI3-related condition. Last evaluated: 2023-02-27. Review status: criteria provided, single submitter. Criteria: ACMG Guidelines, 2015. Collection method: clinical testing. Allele origin: germline.
Comment: The TNNI3 c.151-6C>A variant is predicted to interfere with splicing. This variant is predicted to weaken the canonical splice acceptor site based on available splicing prediction programs (Alamut Visual Plus v1.6.1). However, such computer prediction programs are imperfect. To our knowledge, this variant has not been reported in the literature. This variant is reported in 0.00099% of alleles in individuals of European (Non-Finnish) descent in gnomAD. At this time, the clinical significance of this variant is uncertain due to the absence of conclusive functional and genetic evidence.

NM_000363.5(TNNI3):c.151-6C>A

Gene: TNNI3 (troponin I3, cardiac type; minus strand). Cytogenetic location: 19q13.42.
Variant type: single nucleotide variant.
Coding change: c.151-6C>A on transcript NM_000363.5 (MANE Select); 6 bases into the intron before coding-DNA position 151, C replaced by A.
Molecular consequence: intron variant.
Genome position (GRCh38, 1-based): chr19:55,156,338, G>T on the plus strand (C>A on the coding strand, the complement: TNNI3 is on the minus strand). VCF-style: chr19-55156338-G-T. GRCh37 (hg19) VCF-style: chr19-55667706-G-T.
Identifiers: ClinVar variation 2633842 (VCV002633842.1), dbSNP rs377258542, ClinGen allele CA633906504.